The following is an entry in ClinVar:

NM_014055.4(IFT81):c.1809G>A (p.Gln603=)

Gene: IFT81 (intraflagellar transport 81; plus strand). Cytogenetic location: 12q24.11.
Variant type: single nucleotide variant.
Coding change: c.1809G>A on transcript NM_014055.4 (MANE Select); coding-DNA position 1809, G replaced by A.
Protein change: p.Gln603=; no amino-acid change (glutamine 603 retained).
Molecular consequence: synonymous variant. On other transcripts: non-coding transcript variant (4).
Genome position (GRCh38, 1-based): chr12:110,209,177, G>A. VCF-style: chr12-110209177-G-A. GRCh37 (hg19) VCF-style: chr12-110646982-G-A.
Other names: c.1809G>A, p.Gln603= (NM_001143779.2); c.879G>A, p.Gln293= (NM_001347947.2, NM_001347948.2).
Identifiers: ClinVar variation 1166699 (VCV001166699.33), dbSNP rs372823833, ClinGen allele CA6783495.

ClinVar aggregate classification (germline): Benign/Likely benign. Review status: criteria provided, multiple submitters, no conflicts (2 of 4 stars). 3 submissions from 3 submitters: Benign (1); Likely benign (2). Last evaluated 2026-01-24.

Allele frequency attached by ClinVar (database versions not stated): 1000 Genomes Project 0.00020; TOPMed 0.00029; 1000 Genomes Project 30x 0.00031; ESP Exome Variant Server 0.00043; gnomAD 0.00046; gnomAD exomes 0.00051 and 0.00054; ExAC 0.00052.
gnomAD v4.1: 772 of 1,541,740 alleles (0.05%); highest among the groups gnomAD compares: Non-Finnish European, 0.052%; 1 homozygote.

Submissions (3):

Labcorp Genetics (formerly Invitae), Labcorp
Classification: Benign. Last evaluated: 2026-01-24. Review status: criteria provided, single submitter. Criteria: Invitae Variant Classification Sherloc (09022015). Collection method: clinical testing. Allele origin: germline.

Blueprint Genetics
Classification: Likely benign. Last evaluated: 2024-11-20. Review status: criteria provided, single submitter. Criteria: ACMG Guidelines, 2015. Collection method: clinical testing. Allele origin: germline.

CeGaT Center for Human Genetics Tuebingen
Classification: Likely benign. Last evaluated: 2023-04-01. Review status: criteria provided, single submitter. Criteria: CeGaT Center For Human Genetics Tuebingen Variant Classification Criteria Version 2. Collection method: clinical testing. Allele origin: germline. Affected: yes. Observed: 1 variant allele.
Comment: IFT81: BP4, BP7